The following is an entry in ClinVar:

NM_170707.4(LMNA):c.1812_1823del (p.Ala605_Gly608del)

Gene: LMNA (lamin A/C; plus strand). Cytogenetic location: 1q22.
Variant type: Deletion.
Coding change: c.1812_1823del on transcript NM_170707.4 (MANE Select); coding-DNA positions 1812 to 1823, 12 bases deleted (AGCCCAGGTGGG).
Protein change: p.Ala605_Gly608del.
Molecular consequence: inframe deletion. On other transcripts: splice donor variant (1).
Genome position (GRCh38, 1-based): chr1:156,138,601-156,138,612, AGCCCAGGTGGG deleted; deleting any 12 consecutive bases within chr1:156,138,599-156,138,612 gives the same sequence; the c. name uses the placement nearest the transcript's 3' end. VCF-style (leftmost placement, unchanged base first): chr1-156138598-AGGAGCCCAGGTG-A. GRCh37 (hg19) VCF-style: chr1-156108389-AGGAGCCCAGGTG-A.
Other names: c.1476_1487del, p.Ala493_Gly496del (NM_001257374.3, NM_001406989.1); c.1812_1823del, p.Ala605_Gly608del (NM_001406983.1, NM_001406985.1, NM_001406991.1); c.1569_1580del, p.Ala524_Gly527del (NM_001406986.1, NM_001406987.1); c.1515_1526del, p.Ala506_Gly509del (NM_001406988.1); c.1254_1265del, p.Ala419_Gly422del (NM_001406990.1, NM_001406993.1, NM_001406995.1 and 2 more transcripts); c.1188_1199del, p.Ala397_Gly400del (NM_001406994.1, NM_001406999.1, NM_001407000.1 and 1 more transcripts); c.1722_1733del, p.Ala575_Gly578del (NM_170708.4); c.1812_1818+5del (NM_001282626.2).
Identifiers: ClinVar variation 2892811 (VCV002892811.4), dbSNP rs762745643, ClinGen allele CA051363.

ClinVar aggregate classification (germline): Uncertain significance. Review status: criteria provided, multiple submitters, no conflicts (2 of 4 stars). 2 submissions from 2 submitters: Uncertain significance (2). Last evaluated 2025-06-10.

Conditions:
Cardiomyopathy (CMYO). Also called: Cardiomyopathies. Identifiers: Orphanet 167848, MedGen C0878544, MONDO:0004994, HP:0001638. Inheritance: Various modes of inheritance.
Charcot-Marie-Tooth disease type 2. Also called: Charcot-Marie-Tooth type 2. Identifiers: Orphanet 64746, MedGen C0270914, MONDO:0018993.

Submissions (2):

Color Diagnostics, LLC DBA Color Health
Classification: Uncertain significance for Cardiomyopathy. Last evaluated: 2025-06-10. Review status: criteria provided, single submitter. Criteria: ACMG Guidelines, 2015. Collection method: clinical testing. Allele origin: germline.
Comment: This variant causes an in-frame deletion of four amino acids at exon 4 of the LMNA protein. To our knowledge, functional studies have not been reported for this variant. This variant has not been reported in individuals affected with LMNA-related disorders in the literature. This variant has been identified in 3/246544 chromosomes in the general population by the Genome Aggregation Database (gnomAD). The available evidence is insufficient to determine the role of this variant in disease conclusively. Therefore, this variant is classified as a Variant of Uncertain Significance.

Labcorp Genetics (formerly Invitae), Labcorp
Classification: Uncertain significance for Charcot-Marie-Tooth disease type 2. Last evaluated: 2023-03-13. Review status: criteria provided, single submitter. Criteria: Invitae Variant Classification Sherloc (09022015). Collection method: clinical testing. Allele origin: germline.
Comment: In summary, the available evidence is currently insufficient to determine the role of this variant in disease. Therefore, it has been classified as a Variant of Uncertain Significance. Algorithms developed to predict the effect of sequence changes on RNA splicing suggest that this variant may disrupt the consensus splice site. This variant has not been reported in the literature in individuals affected with LMNA-related conditions. This variant is present in population databases (rs762745643, gnomAD 0.003%). This variant, c.1812_1823del, results in the deletion of 4 amino acid(s) of the LMNA protein (p.Ala605_Gly608del), but otherwise preserves the integrity of the reading frame.